The following is an entry in ClinVar:

NM_001319074.4(RAX2):c.494C>A (p.Ser165Tyr)

Gene: RAX2 (retina and anterior neural fold homeobox 2; minus strand). Cytogenetic location: 19p13.3.
Variant type: single nucleotide variant.
Coding change: c.494C>A on transcript NM_001319074.4 (MANE Select); coding-DNA position 494, C replaced by A.
Protein change: p.Ser165Tyr; replaces serine 165 with tyrosine.
Molecular consequence: missense variant.
Genome position (GRCh38, 1-based): chr19:3,770,682, G>T on the plus strand (C>A on the coding strand, the complement: RAX2 is on the minus strand). VCF-style: chr19-3770682-G-T. GRCh37 (hg19) VCF-style: chr19-3770680-G-T.
Other names: c.494C>A, p.Ser165Tyr (NM_032753.4); short protein forms S165Y.
Identifiers: ClinVar variation 3661598 (VCV003661598.3).

ClinVar aggregate classification (germline): Uncertain significance. Review status: criteria provided, multiple submitters, no conflicts (2 of 4 stars). 2 submissions from 2 submitters: Uncertain significance (2). Last evaluated 2024-08-07.

gnomAD v4.1: 3 of 1,535,682 alleles (0.0002%); highest among the groups gnomAD compares: South Asian, 0.0024%; no homozygotes.

Submissions (2):

Labcorp Genetics (formerly Invitae), Labcorp
Classification: Uncertain significance. Last evaluated: 2024-08-07. Review status: criteria provided, single submitter. Criteria: Invitae Variant Classification Sherloc (09022015). Collection method: clinical testing. Allele origin: germline.
Comment: This sequence change replaces serine, which is neutral and polar, with tyrosine, which is neutral and polar, at codon 165 of the RAX2 protein (p.Ser165Tyr). This variant is not present in population databases (gnomAD no frequency). This variant has not been reported in the literature in individuals affected with RAX2-related conditions. An algorithm developed to predict the effect of missense changes on protein structure and function (PolyPhen-2) suggests that this variant is likely to be tolerated. In summary, the available evidence is currently insufficient to determine the role of this variant in disease. Therefore, it has been classified as a Variant of Uncertain Significance.

Blueprint Genetics
Classification: Uncertain significance. Last evaluated: 2024-03-13. Review status: criteria provided, single submitter. Criteria: ACMG Guidelines, 2015. Collection method: clinical testing. Allele origin: germline.